The following is an entry in ClinVar:

NM_007186.6(CEP250):c.4632G>T (p.Gln1544His)

Gene: CEP250 (centrosomal protein 250; plus strand). Cytogenetic location: 20q11.22.
Variant type: single nucleotide variant.
Coding change: c.4632G>T on transcript NM_007186.6 (MANE Select); coding-DNA position 4632, G replaced by T.
Protein change: p.Gln1544His; replaces glutamine 1544 with histidine.
Molecular consequence: missense variant.
Genome position (GRCh38, 1-based): chr20:35,503,001, G>T. VCF-style: chr20-35503001-G-T. GRCh37 (hg19) VCF-style: chr20-34090829-G-T.
Other names: c.2736G>T, p.Gln912His (NM_001318219.1); c.4632G>T (NM_007186.3); short protein forms Q1544H, Q912H.
Identifiers: ClinVar variation 854598 (VCV000854598.9), dbSNP rs138568893, ClinGen allele CA9833745.
Genomic context (GRCh38, chr20:35,503,001, plus strand): 5'-GGAGCATCAGCTTCTAGAACTTGAGAAGAAAGACCAAATGATTGAGTCCCAGAGAGGACA[G>T]GTTCAGGACCTGAAAAAGCAGTTGGTTACTCTGGAATGCCTGGCCCTGGAACTGGAGGAA-3'
Protein context (NP_009117.2, residues 1534-1554): KDQMIESQRG[Gln1544His]VQDLKKQLVT

ClinVar aggregate classification (germline): Uncertain significance. Review status: criteria provided, multiple submitters, no conflicts (2 of 4 stars). 3 submissions from 3 submitters: Uncertain significance (2). 1 of the submissions does not count toward it. Last evaluated 2022-10-05.

Conditions:
Optic atrophy. Identifiers: MedGen C0029124, MONDO:0003608, HP:0000648.

Allele frequency attached by ClinVar (database versions not stated): ExAC 0.00004; gnomAD exomes 0.00006; TOPMed 0.00009; gnomAD 0.00015; 1000 Genomes Project 30x 0.00016; 1000 Genomes Project 0.00020; ESP Exome Variant Server 0.00023.
gnomAD v4.1: 109 of 1,614,214 alleles (0.0068%); highest among the groups gnomAD compares: Non-Finnish European, 0.0085%; no homozygotes.

Submissions (3):

Labcorp Genetics (formerly Invitae), Labcorp
Classification: Uncertain significance. Last evaluated: 2022-10-05. Review status: criteria provided, single submitter. Criteria: Invitae Variant Classification Sherloc (09022015). Collection method: clinical testing. Allele origin: germline.
Comment: This sequence change replaces glutamine, which is neutral and polar, with histidine, which is basic and polar, at codon 1544 of the CEP250 protein (p.Gln1544His). This variant is present in population databases (rs138568893, gnomAD 0.02%). This variant has not been reported in the literature in individuals affected with CEP250-related conditions. ClinVar contains an entry for this variant (Variation ID: 854598). Algorithms developed to predict the effect of missense changes on protein structure and function are either unavailable or do not agree on the potential impact of this missense change (SIFT: "Not Available"; PolyPhen-2: "Benign"; Align-GVGD: "Not Available"). In summary, the available evidence is currently insufficient to determine the role of this variant in disease. Therefore, it has been classified as a Variant of Uncertain Significance.

Ambry Genetics
Classification: Uncertain significance. Last evaluated: 2021-06-11. Review status: criteria provided, single submitter. Criteria: Ambry Variant Classification Scheme 2023. Collection method: clinical testing. Allele origin: germline.

Institute of Human Genetics, Univ. Regensburg, Univ. Regensburg
Classification: Uncertain significance for Optic atrophy. Last evaluated: 2022-01-01. Review status: no assertion criteria provided. Criteria: ACMG Guidelines, 2015. Collection method: clinical testing. Allele origin: germline. Affected: yes. Not counted in ClinVar's aggregate classification.